The following is an entry in ClinVar:

ClinVar aggregate classification (germline): Uncertain significance (1 of 4 stars; one submission).

Conditions:
Hypertrophic cardiomyopathy. Also called: HYPERTROPHIC MYOCARDIOPATHY. Identifiers: Orphanet 217569, MedGen C0007194, MeSH D002312, MONDO:0005045, HP:0001639.

Allele frequency attached by ClinVar (database versions not stated): gnomAD exomes below 0.00001.

Submission:

Laboratorio de Biologia Molecular - Genetica, Hospital de Pediatria Garrahan
Classification: Uncertain significance for Hypertrophic cardiomyopathy. Last evaluated: 2022-12-01. Review status: criteria provided, single submitter. Criteria: ACMG Guidelines, 2015. Collection method: clinical testing. Allele origin: unknown. Inheritance: Autosomal dominant inheritance. Affected: yes. Observed: 1 heterozygote.
Comment: This variant, c.4354G>A (p.Asp1452Asn) is absent in population databases like gnomAD. The in silico analysis predicts a deleterious effect, with REVEL score of 0.61. It was detected in a patients with HCM. Until the moment the association of this gene with HCM is not well establish and many VUS have been reported. In this regard and according to the ACMG guidelines the variant is clasified as uncertain significance.

NM_002471.4(MYH6):c.4354G>A (p.Asp1452Asn)

Gene: MYH6 (myosin heavy chain 6; minus strand). Cytogenetic location: 14q11.2.
Variant type: single nucleotide variant.
Coding change: c.4354G>A on transcript NM_002471.4 (MANE Select); coding-DNA position 4354, G replaced by A.
Protein change: p.Asp1452Asn; replaces aspartic acid 1452 with asparagine.
Molecular consequence: missense variant.
Genome position (GRCh38, 1-based): chr14:23,388,160, C>T on the plus strand (G>A on the coding strand, the complement: MYH6 is on the minus strand). VCF-style: chr14-23388160-C-T. GRCh37 (hg19) VCF-style: chr14-23857369-C-T.
Other names: short protein forms D1452N.
Identifiers: ClinVar variation 1802699 (VCV001802699.2), dbSNP rs2502149632, ClinGen allele CA388998334.